The following is an entry in ClinVar:

NM_000089.4(COL1A2):c.3485C>T (p.Thr1162Ile)

Gene: COL1A2 (collagen type I alpha 2 chain; plus strand). Cytogenetic location: 7q21.3.
Variant type: single nucleotide variant.
Coding change: c.3485C>T on transcript NM_000089.4 (MANE Select); coding-DNA position 3485, C replaced by T.
Protein change: p.Thr1162Ile; replaces threonine 1162 with isoleucine.
Molecular consequence: missense variant.
Genome position (GRCh38, 1-based): chr7:94,427,844, C>T. VCF-style: chr7-94427844-C-T. GRCh37 (hg19) VCF-style: chr7-94057156-C-T.
Other names: short protein forms T1162I.
Identifiers: ClinVar variation 3899815 (VCV003899815.1).

ClinVar aggregate classification (germline): Uncertain significance (1 of 4 stars; one submission).

Submission:

GeneDx
Classification: Uncertain significance. Last evaluated: 2024-11-18. Review status: criteria provided, single submitter. Criteria: GeneDx Variant Classification Process June 2021. Collection method: clinical testing. Allele origin: germline. Affected: yes.
Comment: Not observed at significant frequency in large population cohorts (gnomAD); In silico analysis supports that this missense variant has a deleterious effect on protein structure/function; Has not been previously published as pathogenic or benign to our knowledge; Not located in the triple helical region, where the majority of pathogenic missense variants occur (HGMD)